The following is an entry in ClinVar:

ClinVar aggregate classification (germline): Uncertain significance (1 of 4 stars; one submission).

Allele frequency attached by ClinVar (database versions not stated): gnomAD exomes 0.00001.
gnomAD v4.1: 5 of 1,612,968 alleles (0.00031%); highest among the groups gnomAD compares: Non-Finnish European, 0.00042%; no homozygotes.

Submission:

Labcorp Genetics (formerly Invitae), Labcorp
Classification: Uncertain significance. Last evaluated: 2022-08-06. Review status: criteria provided, single submitter. Criteria: Invitae Variant Classification Sherloc (09022015). Collection method: clinical testing. Allele origin: germline.
Comment: This sequence change replaces isoleucine, which is neutral and non-polar, with valine, which is neutral and non-polar, at codon 103 of the TSPAN12 protein (p.Ile103Val). This variant is not present in population databases (gnomAD no frequency). This missense change has been observed in individual(s) with clinical features of familial exudative vitreoretinopathy (PMID: 27007396). ClinVar contains an entry for this variant (Variation ID: 961494). Algorithms developed to predict the effect of missense changes on protein structure and function are either unavailable or do not agree on the potential impact of this missense change (SIFT: "Deleterious"; PolyPhen-2: "Possibly Damaging"; Align-GVGD: "Class C0"). In summary, the available evidence is currently insufficient to determine the role of this variant in disease. Therefore, it has been classified as a Variant of Uncertain Significance.

Literature cited by the submitters: PubMed 27007396.

NM_012338.4(TSPAN12):c.307A>G (p.Ile103Val)

Gene: TSPAN12 (tetraspanin 12; minus strand). Cytogenetic location: 7q31.31.
Variant type: single nucleotide variant.
Coding change: c.307A>G on transcript NM_012338.4 (MANE Select); coding-DNA position 307, A replaced by G.
Protein change: p.Ile103Val; replaces isoleucine 103 with valine.
Molecular consequence: missense variant.
Genome position (GRCh38, 1-based): chr7:120,815,782, T>C on the plus strand (A>G on the coding strand, the complement: TSPAN12 is on the minus strand). VCF-style: chr7-120815782-T-C. GRCh37 (hg19) VCF-style: chr7-120455836-T-C.
Other names: short protein forms I103V.
Identifiers: ClinVar variation 961494 (VCV000961494.9), dbSNP rs1794068620, ClinGen allele CA369139025.